The following is an entry in ClinVar:

NM_015076.5(CDK19):c.188C>G (p.Ala63Gly)

Gene: CDK19 (cyclin dependent kinase 19; minus strand). Cytogenetic location: 6q21.
Variant type: single nucleotide variant.
Coding change: c.188C>G on transcript NM_015076.5 (MANE Select); coding-DNA position 188, C replaced by G.
Protein change: p.Ala63Gly; replaces alanine 63 with glycine.
Molecular consequence: missense variant.
Genome position (GRCh38, 1-based): chr6:110,746,142, G>C on the plus strand (C>G on the coding strand, the complement: CDK19 is on the minus strand). VCF-style: chr6-110746142-G-C. GRCh37 (hg19) VCF-style: chr6-111067345-G-C.
Other names: c.188C>G, p.Ala63Gly (NM_001300960.2); c.8C>G, p.Ala3Gly (NM_001300963.2, NM_001300964.2); short protein forms A3G, A63G.
Identifiers: ClinVar variation 4526948 (VCV004526948.1).

ClinVar aggregate classification (germline): Uncertain significance (1 of 4 stars; one submission).

Submission:

GeneDx
Classification: Uncertain significance. Last evaluated: 2025-04-24. Review status: criteria provided, single submitter. Criteria: GeneDx Variant Classification Process June 2021. Collection method: clinical testing. Allele origin: germline. Affected: yes.
Comment: Not observed at significant frequency in large population cohorts (gnomAD); In silico analysis supports that this missense variant has a deleterious effect on protein structure/function; Has not been previously published as pathogenic or benign to our knowledge